The following is an entry in ClinVar:

ClinVar aggregate classification (germline): Uncertain significance. Review status: criteria provided, multiple submitters, no conflicts (2 of 4 stars). 2 submissions from 2 submitters: Uncertain significance (2). Last evaluated 2025-10-18.

Allele frequency attached by ClinVar (database versions not stated): ExAC 0.00001; gnomAD 0.00001; TOPMed below 0.00001.
gnomAD v4.1: 5 of 1,600,568 alleles (0.00031%); highest among the groups gnomAD compares: Admixed American, 0.0017%; no homozygotes.

Submissions (2):

Ambry Genetics
Classification: Uncertain significance. Last evaluated: 2025-10-18. Review status: criteria provided, single submitter. Criteria: Ambry Variant Classification Scheme 2023. Collection method: clinical testing. Allele origin: germline.

CeGaT Center for Human Genetics Tuebingen
Classification: Uncertain significance. Last evaluated: 2024-01-01. Review status: criteria provided, single submitter. Criteria: CeGaT Center For Human Genetics Tuebingen Variant Classification Criteria Version 2. Collection method: clinical testing. Allele origin: germline. Affected: yes. Observed: 1 variant allele.
Comment: CDH15: PM2:Supporting

NM_004933.3(CDH15):c.1409C>A (p.Ser470Tyr)

Gene: CDH15 (cadherin 15; plus strand). Cytogenetic location: 16q24.3.
Variant type: single nucleotide variant.
Coding change: c.1409C>A on transcript NM_004933.3 (MANE Select); coding-DNA position 1409, C replaced by A.
Protein change: p.Ser470Tyr; replaces serine 470 with tyrosine.
Molecular consequence: missense variant.
Genome position (GRCh38, 1-based): chr16:89,191,688, C>A. VCF-style: chr16-89191688-C-A. GRCh37 (hg19) VCF-style: chr16-89258096-C-A.
Other names: c.1409C>A (NM_004933.2); short protein forms S470Y.
Identifiers: ClinVar variation 3026464 (VCV003026464.22), dbSNP rs773007637, ClinGen allele CA8239298.